The following is an entry in ClinVar:

ClinVar aggregate classification (germline): Uncertain significance (1 of 4 stars; one submission).

Conditions:
Vici syndrome (VICIS). Identifiers: Orphanet 1493, MedGen C1855772, MONDO:0009452, OMIM 242840.

Allele frequency attached by ClinVar (database versions not stated): gnomAD exomes below 0.00001.
gnomAD v4.1: 1 of 1,596,782 alleles (0.000063%); highest among the groups gnomAD compares: Middle Eastern, 0.017%; no homozygotes.

Submission:

Labcorp Genetics (formerly Invitae), Labcorp
Classification: Uncertain significance for Vici syndrome. Last evaluated: 2019-03-30. Review status: criteria provided, single submitter. Criteria: Invitae Variant Classification Sherloc (09022015). Collection method: clinical testing. Allele origin: germline.
Comment: In summary, the available evidence is currently insufficient to determine the role of this variant in disease. Therefore, it has been classified as a Variant of Uncertain Significance. Algorithms developed to predict the effect of missense changes on protein structure and function (SIFT, PolyPhen-2, Align-GVGD) all suggest that this variant is likely to be tolerated, but these predictions have not been confirmed by published functional studies and their clinical significance is uncertain. This variant has not been reported in the literature in individuals with EPG5-related conditions. This variant is not present in population databases (ExAC no frequency). This sequence change replaces threonine with alanine at codon 1421 of the EPG5 protein (p.Thr1421Ala). The threonine residue is moderately conserved and there is a small physicochemical difference between threonine and alanine.

NM_020964.3(EPG5):c.4261A>G (p.Thr1421Ala)

Gene: EPG5 (ectopic P-granules 5 autophagy tethering factor; minus strand). Cytogenetic location: 18q21.1.
Variant type: single nucleotide variant.
Coding change: c.4261A>G on transcript NM_020964.3 (MANE Select); coding-DNA position 4261, A replaced by G.
Protein change: p.Thr1421Ala; replaces threonine 1421 with alanine.
Molecular consequence: missense variant.
Genome position (GRCh38, 1-based): chr18:45,908,026, T>C on the plus strand (A>G on the coding strand, the complement: EPG5 is on the minus strand). VCF-style: chr18-45908026-T-C. GRCh37 (hg19) VCF-style: chr18-43487991-T-C.
Other names: short protein forms T1421A.
Identifiers: ClinVar variation 855968 (VCV000855968.10), dbSNP rs1231659675, ClinGen allele CA402338860.